The following is an entry in ClinVar:

ClinVar aggregate classification (germline): Conflicting classifications of pathogenicity. Review status: criteria provided, conflicting classifications (1 of 4 stars). 2 submissions from 2 submitters: Uncertain significance (1); Likely benign (1). Last evaluated 2023-07-20.

Conditions:
Hereditary cancer-predisposing syndrome. Also called: Neoplastic Syndromes, Hereditary; Tumor predisposition; Hereditary neoplastic syndrome; Hereditary Cancer Syndrome. Identifiers: Orphanet 140162, MedGen C0027672, MeSH D009386, MONDO:0015356.

Submissions (2):

Quest Diagnostics Nichols Institute San Juan Capistrano
Classification: Uncertain significance. Last evaluated: 2023-07-20. Review status: criteria provided, single submitter. Criteria: Quest Diagnostics criteria. Collection method: clinical testing. Allele origin: unknown.
Comment: To the best of our knowledge, this variant has not been reported in the published literature. It also has not been reported in large, multi-ethnic general populations (Genome Aggregation Database). Analysis of this variant using software algorithms for the prediction of the effect of nucleotide changes on splicing yielded predictions that this variant does not affect BRCA2 mRNA splicing . Based on the available information, we are unable to determine the clinical significance of this variant.

Ambry Genetics
Classification: Likely benign for Hereditary cancer-predisposing syndrome. Last evaluated: 2018-11-27. Review status: criteria provided, single submitter. Criteria: Ambry Variant Classification Scheme 2023. Collection method: clinical testing. Allele origin: germline.

NM_000059.4(BRCA2):c.7431T>G (p.Pro2477=)

Gene: BRCA2 (BRCA2 DNA repair associated; plus strand). Cytogenetic location: 13q13.1.
Variant type: single nucleotide variant.
Coding change: c.7431T>G on transcript NM_000059.4 (MANE Select); coding-DNA position 7431, T replaced by G.
Protein change: p.Pro2477=; no amino-acid change (proline 2477 retained).
Molecular consequence: synonymous variant.
Genome position (GRCh38, 1-based): chr13:32,355,284, T>G. VCF-style: chr13-32355284-T-G. GRCh37 (hg19) VCF-style: chr13-32929421-T-G.
Identifiers: ClinVar variation 827044 (VCV000827044.5), dbSNP rs878853601, ClinGen allele CA483439560.